The following is an entry in ClinVar:

NM_022835.3(PLEKHG2):c.2590G>A (p.Ala864Thr)

Gene: PLEKHG2 (pleckstrin homology and RhoGEF domain containing G2; plus strand). Cytogenetic location: 19q13.2.
Variant type: single nucleotide variant.
Coding change: c.2590G>A on transcript NM_022835.3 (MANE Select); coding-DNA position 2590, G replaced by A.
Protein change: p.Ala864Thr; replaces alanine 864 with threonine.
Molecular consequence: missense variant. On other transcripts: intron variant (1).
Genome position (GRCh38, 1-based): chr19:39,423,644, G>A. VCF-style: chr19-39423644-G-A. GRCh37 (hg19) VCF-style: chr19-39914284-G-A.
Other names: c.2413G>A, p.Ala805Thr (NM_001351693.2); c.1677+1356G>A (NM_001351694.2); short protein forms A805T, A864T.
Identifiers: ClinVar variation 1059186 (VCV001059186.7), dbSNP rs571217933, ClinGen allele CA9429814.

ClinVar aggregate classification (germline): Uncertain significance (1 of 4 stars; one submission).

Allele frequency attached by ClinVar (database versions not stated): TOPMed below 0.00001; gnomAD 0.00005; gnomAD exomes 0.00011; ExAC 0.00014; 1000 Genomes Project 30x 0.00078; 1000 Genomes Project 0.00080.

Submission:

Labcorp Genetics (formerly Invitae), Labcorp
Classification: Uncertain significance. Last evaluated: 2018-05-04. Review status: criteria provided, single submitter. Criteria: Invitae Variant Classification Sherloc (09022015). Collection method: clinical testing. Allele origin: germline.
Comment: This sequence change replaces alanine with threonine at codon 864 of the PLEKHG2 protein (p.Ala864Thr). The alanine residue is highly conserved and there is a small physicochemical difference between alanine and threonine. This variant is present in population databases (rs571217933, ExAC 0.2%). This variant has not been reported in the literature in individuals with PLEKHG2-related disease. Algorithms developed to predict the effect of missense changes on protein structure and function do not agree on the potential impact of this missense change (SIFT: "Deleterious"; PolyPhen-2: "Benign"; Align-GVGD: "Class C0"). In summary, the available evidence is currently insufficient to determine the role of this variant in disease. Therefore, it has been classified as a Variant of Uncertain Significance.